The following is an entry in ClinVar:

NM_032242.4(PLXNA1):c.4948G>A (p.Gly1650Ser)

Gene: PLXNA1 (plexin A1; plus strand). Cytogenetic location: 3q21.3.
Variant type: single nucleotide variant.
Coding change: c.4948G>A on transcript NM_032242.4 (MANE Select); coding-DNA position 4948, G replaced by A.
Protein change: p.Gly1650Ser; replaces glycine 1650 with serine.
Molecular consequence: missense variant.
Genome position (GRCh38, 1-based): chr3:127,029,951, G>A. VCF-style: chr3-127029951-G-A. GRCh37 (hg19) VCF-style: chr3-126748794-G-A.
Other names: short protein forms G1650S.
Identifiers: ClinVar variation 3358128 (VCV003358128.1).

ClinVar aggregate classification (germline): Uncertain significance (0 of 4 stars; one submission).

Conditions:
PLXNA1-related disorder. Also called: PLXNA1-related condition.

gnomAD v4.1: 12 of 1,613,572 alleles (0.00074%); highest among the groups gnomAD compares: Admixed American, 0.0017%; no homozygotes.

Submission:

PreventionGenetics, part of Exact Sciences
Classification: Uncertain significance for PLXNA1-related condition. Last evaluated: 2024-03-23. Review status: no assertion criteria provided. Collection method: clinical testing. Allele origin: germline.
Comment: The PLXNA1 c.4948G>A variant is predicted to result in the amino acid substitution p.Gly1650Ser. This variant resides in the Rho-GTPase binding domain and has been shown to cause a decrease in surface protein compared to wildtype (van der Klaauw et al. 2019. PubMed ID: 30661757). It was reported in an individual with obesity (van der Klaauw et al. 2019. PubMed ID: 30661757). This variant is reported in 0.0029% of alleles in individuals of Latino descent in gnomAD. At this time, the clinical significance of this variant is uncertain due to the absence of conclusive functional and genetic evidence.